The following is an entry in ClinVar:

NM_014014.5(SNRNP200):c.4233G>A (p.Glu1411=)

Gene: SNRNP200 (small nuclear ribonucleoprotein U5 subunit 200; minus strand). Cytogenetic location: 2q11.2.
Variant type: single nucleotide variant.
Coding change: c.4233G>A on transcript NM_014014.5 (MANE Select); coding-DNA position 4233, G replaced by A.
Protein change: p.Glu1411=; no amino-acid change (glutamic acid 1411 retained).
Molecular consequence: synonymous variant.
Genome position (GRCh38, 1-based): chr2:96,284,517, C>T on the plus strand (G>A on the coding strand, the complement: SNRNP200 is on the minus strand). VCF-style: chr2-96284517-C-T. GRCh37 (hg19) VCF-style: chr2-96950255-C-T.
Identifiers: ClinVar variation 740415 (VCV000740415.12), dbSNP rs772364991, ClinGen allele CA1778249.
Genomic context (GRCh38, chr2:96,284,517, plus strand): 5'-CTTCTCAGGGGTGCTGATGATAATGTTCCCTTTGCCCAGCAGCTTCAGGTCTGTGCTGGT[C>T]TCGCCTGTCAGGAGTACCACCTTCTTGTTGAGCCTGTCCTGGAACTTCTCGTACCAGTCC-3'
Protein context (NP_054733.2, residues 1401-1421): LNKKVVLLTG[Glu1411=]TSTDLKLLGK

ClinVar aggregate classification (germline): Likely benign. Review status: criteria provided, multiple submitters, no conflicts (2 of 4 stars). 3 submissions from 3 submitters: Likely benign (3). Last evaluated 2025-01-30.

Conditions:
SNRNP200-related disorder. Also called: SNRNP200-related condition.

Allele frequency attached by ClinVar (database versions not stated): ExAC 0.00003; gnomAD exomes 0.00003 and 0.00007; TOPMed 0.00005.
gnomAD v4.1: 16 of 1,614,206 alleles (0.00099%); highest among the groups gnomAD compares: Admixed American, 0.027%; no homozygotes.

Submissions (3):

Labcorp Genetics (formerly Invitae), Labcorp
Classification: Likely benign. Last evaluated: 2025-01-30. Review status: criteria provided, single submitter. Criteria: Invitae Variant Classification Sherloc (09022015). Collection method: clinical testing. Allele origin: germline.

PreventionGenetics, part of Exact Sciences
Classification: Likely benign for SNRNP200-related condition. Last evaluated: 2024-10-18. Review status: criteria provided, single submitter. Criteria: ACMG Guidelines, 2015. Collection method: clinical testing. Allele origin: germline.
Comment: This variant is classified as likely benign based on ACMG/AMP sequence variant interpretation guidelines (Richards et al. 2015 PMID: 25741868, with internal and published modifications).

Blueprint Genetics
Classification: Likely benign. Last evaluated: 2018-08-01. Review status: criteria provided, single submitter. Criteria: ACMG Guidelines, 2015. Collection method: clinical testing. Allele origin: germline.